The following is an entry in ClinVar:

NM_024675.4(PALB2):c.211+6T>A

Gene: PALB2 (partner and localizer of BRCA2; minus strand). Cytogenetic location: 16p12.2.
Variant type: single nucleotide variant.
Coding change: c.211+6T>A on transcript NM_024675.4 (MANE Select); 6 bases into the intron after coding-DNA position 211, T replaced by A.
Molecular consequence: intron variant.
Genome position (GRCh38, 1-based): chr16:23,637,844, A>T on the plus strand (T>A on the coding strand, the complement: PALB2 is on the minus strand). VCF-style: chr16-23637844-A-T. GRCh37 (hg19) VCF-style: chr16-23649165-A-T.
Identifiers: ClinVar variation 530213 (VCV000530213.10), dbSNP rs1555462024, ClinGen allele CA658798567.

ClinVar aggregate classification (germline): Uncertain significance. Review status: criteria provided, multiple submitters, no conflicts (2 of 4 stars). 2 submissions from 2 submitters: Uncertain significance (2). Last evaluated 2025-12-08.

Conditions:
Hereditary cancer-predisposing syndrome. Also called: Hereditary neoplastic syndrome; Neoplastic Syndromes, Hereditary; Hereditary Cancer Syndrome; Tumor predisposition. Identifiers: Orphanet 140162, MedGen C0027672, MeSH D009386, MONDO:0015356.
Familial cancer of breast. Also called: BREAST CANCER, FAMILIAL; Hereditary breast cancer; hereditary breast carcinoma. Identifiers: Orphanet 227535, MedGen C0346153, MONDO:0016419, OMIM 114480. Disease mechanism: loss of function.

Submissions (2):

Color Diagnostics, LLC DBA Color Health
Classification: Uncertain significance for Hereditary cancer-predisposing syndrome. Last evaluated: 2025-12-08. Review status: criteria provided, single submitter. Criteria: ACMG Guidelines, 2015. Collection method: clinical testing. Allele origin: germline.
Comment: This variant causes a T to A nucleotide substitution at the conserved +6 position of intron 3 of the PALB2 gene. Splicing prediction algorithms suggest that this variant does not significantly impact splicing at the intron 3 splice donor site (PMID: 30661751, 35449021). To our knowledge, RNA and functional studies have not been reported for this variant. This variant has not been reported in individuals affected with PALB2-related disorders in the literature. This variant has not been identified in the general population by the Genome Aggregation Database (gnomAD). The available evidence is insufficient to determine the role of this variant in disease conclusively. Therefore, this variant is classified as a Variant of Uncertain Significance.

Labcorp Genetics (formerly Invitae), Labcorp
Classification: Uncertain significance for Familial cancer of breast. Last evaluated: 2017-12-13. Review status: criteria provided, single submitter. Criteria: Invitae Variant Classification Sherloc (09022015). Collection method: clinical testing. Allele origin: germline.
Comment: In summary, the available evidence is currently insufficient to determine the role of this variant in disease. Therefore, it has been classified as a Variant of Uncertain Significance. Nucleotide substitutions within the consensus splice site are a relatively common cause of aberrant splicing (PMID: 17576681, 9536098). Algorithms developed to predict the effect of sequence changes on RNA splicing suggest that this variant is not likely to affect RNA splicing, but this prediction has not been confirmed by published transcriptional studies. This sequence change falls in intron 3 of the PALB2 gene. It does not directly change the encoded amino acid sequence of the PALB2 protein, but it affects a nucleotide within the consensus splice site of the intron. This variant is not present in population databases (ExAC no frequency). This variant has not been reported in the literature in individuals with PALB2-related disease.

Literature cited by the submitters: PubMed 30661751 (cited by Color Diagnostics, LLC DBA Color Health); PubMed 35449021 (cited by Color Diagnostics, LLC DBA Color Health); PubMed 17576681 (cited by Labcorp Genetics (formerly Invitae), Labcorp); PubMed 9536098 (cited by Labcorp Genetics (formerly Invitae), Labcorp).